The following is an entry in ClinVar:

ClinVar aggregate classification (germline): Uncertain significance (1 of 4 stars; one submission).

Submission:

GeneDx
Classification: Uncertain significance. Last evaluated: 2024-11-04. Review status: criteria provided, single submitter. Criteria: GeneDx Variant Classification Process June 2021. Collection method: clinical testing. Allele origin: germline. Affected: yes.
Comment: Not observed at significant frequency in large population cohorts (gnomAD); In silico analysis supports a deleterious effect on splicing; Has not been previously published as pathogenic or benign to our knowledge

NM_020774.4(MIB1):c.1678-8A>G

Gene: MIB1 (MIB E3 ubiquitin protein ligase 1; plus strand). Cytogenetic location: 18q11.2.
Variant type: single nucleotide variant.
Coding change: c.1678-8A>G on transcript NM_020774.4 (MANE Select); 8 bases into the intron before coding-DNA position 1678, A replaced by G.
Molecular consequence: intron variant.
Genome position (GRCh38, 1-based): chr18:21,819,487, A>G. VCF-style: chr18-21819487-A-G. GRCh37 (hg19) VCF-style: chr18-19399448-A-G.
Identifiers: ClinVar variation 3897409 (VCV003897409.1).